The following is an entry in ClinVar:

NM_001060.6(TBXA2R):c.*751C>T

Gene: TBXA2R (thromboxane A2 receptor; minus strand). Cytogenetic location: 19p13.3.
Variant type: single nucleotide variant.
Coding change: c.*751C>T on transcript NM_001060.6 (MANE Select); 751 bases downstream of the stop codon, C replaced by T.
Molecular consequence: 3 prime UTR variant. On other transcripts: missense variant (1).
Genome position (GRCh38, 1-based): chr19:3,594,937, G>A on the plus strand (C>T on the coding strand, the complement: TBXA2R is on the minus strand). VCF-style: chr19-3594937-G-A. GRCh37 (hg19) VCF-style: chr19-3594935-G-A.
Other names: c.1123C>T, p.Arg375Trp (NM_201636.3); short protein forms R375W.
Identifiers: ClinVar variation 3354230 (VCV003354230.1).

ClinVar aggregate classification (germline): Likely benign (0 of 4 stars; one submission).

Conditions:
TBXA2R-related disorder. Also called: TBXA2R-related condition.

gnomAD v4.1: 400 of 1,536,220 alleles (0.026%); highest among the groups gnomAD compares: Admixed American, 0.031%; no homozygotes.

Submission:

PreventionGenetics, part of Exact Sciences
Classification: Likely benign for TBXA2R-related condition. Last evaluated: 2024-08-23. Review status: no assertion criteria provided. Collection method: clinical testing. Allele origin: germline.
Comment: This variant is classified as likely benign based on ACMG/AMP sequence variant interpretation guidelines (Richards et al. 2015 PMID: 25741868, with internal and published modifications).